The following is an entry in ClinVar:

NM_001379500.1(COL18A1):c.3250-3C>T

Genes: COL18A1 (collagen type XVIII alpha 1 chain; plus strand), SLC19A1 (solute carrier family 19 member 1; minus strand). Cytogenetic location: 21q22.3.
Variant type: single nucleotide variant.
Coding change: c.3250-3C>T on transcript NM_001379500.1 (MANE Select); 3 bases into the intron before coding-DNA position 3250, C replaced by T.
Molecular consequence: intron variant.
Genome position (GRCh38, 1-based): chr21:45,509,353, C>T. VCF-style: chr21-45509353-C-T. GRCh37 (hg19) VCF-style: chr21-46929267-C-T.
Other names: c.4495-3C>T (NM_130444.3); c.3790-3C>T (NM_030582.4).
Identifiers: ClinVar variation 1506356 (VCV001506356.6), dbSNP rs76111813, ClinGen allele CA2573157820.

ClinVar aggregate classification (germline): Uncertain significance (1 of 4 stars; one submission).

Submission:

Labcorp Genetics (formerly Invitae), Labcorp
Classification: Uncertain significance. Last evaluated: 2022-10-28. Review status: criteria provided, single submitter. Criteria: Invitae Variant Classification Sherloc (09022015). Collection method: clinical testing. Allele origin: germline.
Comment: In summary, the available evidence is currently insufficient to determine the role of this variant in disease. Therefore, it has been classified as a Variant of Uncertain Significance. Variants that disrupt the consensus splice site are a relatively common cause of aberrant splicing (PMID: 17576681, 9536098). Algorithms developed to predict the effect of sequence changes on RNA splicing suggest that this variant is not likely to affect RNA splicing. ClinVar contains an entry for this variant (Variation ID: 1506356). This variant has not been reported in the literature in individuals affected with COL18A1-related conditions. This variant is not present in population databases (gnomAD no frequency). This sequence change falls in intron 38 of the COL18A1 gene. It does not directly change the encoded amino acid sequence of the COL18A1 protein. It affects a nucleotide within the consensus splice site.

Literature cited by the submitters: PubMed 17576681; PubMed 9536098.